The following is an entry in ClinVar:

NM_000383.4(AIRE):c.1295_1296insA (p.Arg433fs)

Gene: AIRE (autoimmune regulator; plus strand). Cytogenetic location: 21q22.3.
Variant type: Insertion.
Coding change: c.1295_1296insA on transcript NM_000383.4 (MANE Select); coding-DNA positions 1295 to 1296, A inserted.
Protein change: p.Arg433fs; shifts the reading frame from arginine 433.
Molecular consequence: frameshift variant.
Genome position: GRCh38 VCF-style: chr21-44293805-C-CA. GRCh37 (hg19) VCF-style: chr21-45713688-C-CA.
Other names: c.1295_1296insA (LRG_18t1); short protein forms R433fs.
Identifiers: ClinVar variation 585381 (VCV000585381.13), dbSNP rs763695515, ClinGen allele CA10052044.
Genomic context (GRCh38, chr21:44,293,805, plus strand): 5'-TTCCCCCGGCCCCCCGCGTCACCCCGCGCTGTTGCCTCCCACAGAACCTGGCTCCTGGTG[C>CA]GCGTTGCGGGGTGTGCGGAGATGGTACGGACGTGCTGCGGTGTACTCACTGCGCCGCTGC-3'

ClinVar aggregate classification (germline): Pathogenic/Likely pathogenic. Review status: criteria provided, multiple submitters, no conflicts (2 of 4 stars). 5 submissions from 5 submitters: Pathogenic (2); Likely pathogenic (3). Last evaluated 2025-10-02.

Conditions:
Polyglandular autoimmune syndrome, type 1 (APS1). Also called: Autoimmune polyendocrine syndrome type 1; Autoimmune polyendocrinopathy syndrome, type I; HYPOADRENOCORTICISM WITH HYPOPARATHYROIDISM AND SUPERFICIAL MONILIASIS; AUTOIMMUNE POLYENDOCRINE SYNDROME, TYPE I, WITH OR WITHOUT REVERSIBLE METAPHYSEAL DYSPLASIA; PGA I; APS I. Identifiers: Orphanet 3453, MedGen C0085859, MONDO:0009411, OMIM 240300.

Allele frequency attached by ClinVar (database versions not stated): gnomAD exomes below 0.00001 and 0.00001; TOPMed below 0.00001; ExAC 0.00001; gnomAD 0.00001; ESP Exome Variant Server 0.00016.

Submissions (5):

Natera, Inc.
Classification: Pathogenic for Polyglandular autoimmune syndrome type 1. Last evaluated: 2025-10-02. Review status: criteria provided, single submitter. Criteria: Natera Variant Classification Schema (03/2026). Collection method: clinical testing. Allele origin: germline.
Comment: The c.1295_1296insA variant in AIRE is a frameshift variant predicted to shift the reading frame beginning at codon 433 and leads to a stop codon 71 codons downstream. This variant is expected to result in nonsense mediated decay, truncation, or a dysfunctional protein product. This variant is rare in the general population with a frequency below the threshold expected for the associated phenotype(s). This variant has been observed in one or more individuals affected with the associated recessive disease, as either homozygous or compound heterozygous with a second variant (PMID: 34525787). Given the available evidence, this variant is classified as Pathogenic.

Labcorp Genetics (formerly Invitae), Labcorp
Classification: Pathogenic for Polyglandular autoimmune syndrome, type 1. Last evaluated: 2024-11-18. Review status: criteria provided, single submitter. Criteria: Invitae Variant Classification Sherloc (09022015). Collection method: clinical testing. Allele origin: germline.
Comment: This sequence change creates a premature translational stop signal (p.Arg433Alafs*71) in the AIRE gene. It is expected to result in an absent or disrupted protein product. Loss-of-function variants in AIRE are known to be pathogenic (PMID: 11524731, 26141571). This variant is present in population databases (rs763695515, gnomAD 0.003%). This variant has not been reported in the literature in individuals affected with AIRE-related conditions. ClinVar contains an entry for this variant (Variation ID: 585381). For these reasons, this variant has been classified as Pathogenic.

GeneDx
Classification: Likely pathogenic. Last evaluated: 2022-06-08. Review status: criteria provided, single submitter. Criteria: GeneDx Variant Classification Process June 2021. Collection method: clinical testing. Allele origin: germline. Affected: yes.
Comment: Frameshift variant predicted to result in protein truncation or nonsense mediated decay in a gene for which loss of function is a known mechanism of disease; Not observed at significant frequency in large population cohorts (gnomAD); Has not been previously published as pathogenic or benign to our knowledge

Fulgent Genetics
Classification: Likely pathogenic for Polyglandular autoimmune syndrome, type 1. Last evaluated: 2022-02-07. Review status: criteria provided, single submitter. Criteria: ACMG Guidelines, 2015. Collection method: clinical testing. Allele origin: unknown.

Athena Diagnostics
Classification: Likely pathogenic. Last evaluated: 2018-08-03. Review status: criteria provided, single submitter. Criteria: Athena Diagnostics Criteria. Collection method: clinical testing. Allele origin: germline.

Literature cited by the submitters: PubMed 34525787 (cited by Natera, Inc.); PubMed 11524731 (cited by Labcorp Genetics (formerly Invitae), Labcorp); PubMed 26141571 (cited by Labcorp Genetics (formerly Invitae), Labcorp).